The following is an entry in ClinVar:

NM_153460.4(IL17RC):c.407G>A (p.Arg136His)

Gene: IL17RC (interleukin 17 receptor C; plus strand). Cytogenetic location: 3p25.3.
Variant type: single nucleotide variant.
Coding change: c.407G>A on transcript NM_153460.4 (MANE Select); coding-DNA position 407, G replaced by A.
Protein change: p.Arg136His; replaces arginine 136 with histidine.
Molecular consequence: missense variant. On other transcripts: non-coding transcript variant (1).
Genome position (GRCh38, 1-based): chr3:9,918,551, G>A. VCF-style: chr3-9918551-G-A. GRCh37 (hg19) VCF-style: chr3-9960235-G-A.
Other names: c.407G>A, p.Arg136His (NM_001203263.2, NM_001203264.2, NM_001203265.2 and 3 more transcripts); c.332G>A, p.Arg111His (NM_001367279.1); c.620G>A, p.Arg207His (NM_153461.4); short protein forms R111H, R136H, R207H.
Identifiers: ClinVar variation 934889 (VCV000934889.7), dbSNP rs769025981, ClinGen allele CA2246833.

ClinVar aggregate classification (germline): Uncertain significance. Review status: criteria provided, multiple submitters, no conflicts (2 of 4 stars). 3 submissions from 3 submitters: Uncertain significance (3). Last evaluated 2025-12-02.

Conditions:
Candidiasis, familial, 9 (CANDF9). Identifiers: Orphanet 1334, MedGen C4225324, MONDO:0014642, OMIM 616445.

Allele frequency attached by ClinVar (database versions not stated): TOPMed 0.00004.

Submissions (3):

Labcorp Genetics (formerly Invitae), Labcorp
Classification: Uncertain significance for Candidiasis, familial, 9. Last evaluated: 2025-12-02. Review status: criteria provided, single submitter. Criteria: Invitae Variant Classification Sherloc (09022015). Collection method: clinical testing. Allele origin: germline.
Comment: This sequence change replaces arginine, which is basic and polar, with histidine, which is basic and polar, at codon 207 of the IL17RC protein (p.Arg207His). This variant is present in population databases (rs769025981, gnomAD 0.02%). This variant has not been reported in the literature in individuals affected with IL17RC-related conditions. ClinVar contains an entry for this variant (Variation ID: 934889). An algorithm developed to predict the effect of missense changes on protein structure and function outputs the following: PolyPhen-2: "Benign". The histidine amino acid residue is found in multiple mammalian species, which suggests that this missense change does not adversely affect protein function. In summary, the available evidence is currently insufficient to determine the role of this variant in disease. Therefore, it has been classified as a Variant of Uncertain Significance.

Ambry Genetics
Classification: Uncertain significance. Last evaluated: 2024-11-11. Review status: criteria provided, single submitter. Criteria: Ambry Variant Classification Scheme 2023. Collection method: clinical testing. Allele origin: germline.

Fulgent Genetics
Classification: Uncertain significance for Candidiasis, familial, 9. Last evaluated: 2024-03-20. Review status: criteria provided, single submitter. Criteria: ACMG Guidelines, 2015. Collection method: clinical testing. Allele origin: germline.